The following is an entry in ClinVar:

NM_004104.5(FASN):c.6788G>A (p.Arg2263Gln)

Gene: FASN (fatty acid synthase; minus strand). Cytogenetic location: 17q25.3.
Variant type: single nucleotide variant.
Coding change: c.6788G>A on transcript NM_004104.5 (MANE Select); coding-DNA position 6788, G replaced by A.
Protein change: p.Arg2263Gln; replaces arginine 2263 with glutamine.
Molecular consequence: missense variant.
Genome position (GRCh38, 1-based): chr17:82,080,730, C>T on the plus strand (G>A on the coding strand, the complement: FASN is on the minus strand). VCF-style: chr17-82080730-C-T. GRCh37 (hg19) VCF-style: chr17-80038606-C-T.
Other names: short protein forms R2263Q.
Identifiers: ClinVar variation 572661 (VCV000572661.8), dbSNP rs377735574, ClinGen allele CA8851195.

ClinVar aggregate classification (germline): Uncertain significance. Review status: criteria provided, multiple submitters, no conflicts (2 of 4 stars). 2 submissions from 2 submitters: Uncertain significance (2). Last evaluated 2025-11-12.

Conditions:
Epileptic encephalopathy. Identifiers: MedGen C0543888, HP:0200134.

Allele frequency attached by ClinVar (database versions not stated): gnomAD exomes 0.00003 and 0.00005; TOPMed 0.00005; ExAC 0.00007; gnomAD 0.00008 and 0.00009; ESP Exome Variant Server 0.00015.
gnomAD v4.1: 89 of 1,601,748 alleles (0.0056%); highest among the groups gnomAD compares: Non-Finnish European, 0.0065%; no homozygotes.

Submissions (2):

Labcorp Genetics (formerly Invitae), Labcorp
Classification: Uncertain significance for Epileptic encephalopathy. Last evaluated: 2025-11-12. Review status: criteria provided, single submitter. Criteria: Invitae Variant Classification Sherloc (09022015). Collection method: clinical testing. Allele origin: germline.
Comment: This sequence change replaces arginine, which is basic and polar, with glutamine, which is neutral and polar, at codon 2263 of the FASN protein (p.Arg2263Gln). This variant is present in population databases (rs377735574, gnomAD 0.009%). This variant has not been reported in the literature in individuals affected with FASN-related conditions. ClinVar contains an entry for this variant (Variation ID: 572661). An algorithm developed to predict the effect of missense changes on protein structure and function (PolyPhen-2) suggests that this variant is likely to be tolerated. In summary, the available evidence is currently insufficient to determine the role of this variant in disease. Therefore, it has been classified as a Variant of Uncertain Significance.

Ambry Genetics
Classification: Uncertain significance. Last evaluated: 2021-07-16. Review status: criteria provided, single submitter. Criteria: Ambry Variant Classification Scheme 2023. Collection method: clinical testing. Allele origin: germline.